The following is an entry in ClinVar:

NM_001267550.2(TTN):c.100587G>A (p.Trp33529Ter)

Genes: TTN-AS1 (TTN antisense RNA 1; plus strand), TTN (titin; minus strand). Cytogenetic location: 2q31.2.
Variant type: single nucleotide variant.
Coding change: c.100587G>A on transcript NM_001267550.2 (MANE Select); coding-DNA position 100587, G replaced by A.
Protein change: p.Trp33529Ter; replaces tryptophan 33529 with a stop codon.
Molecular consequence: nonsense.
Genome position (GRCh38, 1-based): chr2:178,536,160, C>T on the plus strand (G>A on the coding strand, the complement: TTN is on the minus strand). VCF-style: chr2-178536160-C-T. GRCh37 (hg19) VCF-style: chr2-179400887-C-T.
Other names: c.95664G>A, p.Trp31888Ter (NM_001256850.1); c.73392G>A, p.Trp24464Ter (NM_003319.4); c.92883G>A, p.Trp30961Ter (NM_133378.4); c.73767G>A, p.Trp24589Ter (NM_133432.3); c.73968G>A, p.Trp24656Ter (NM_133437.4); c.100587G>A (NM_001267550.1); short protein forms W31888*, W33529*, W24656*, W24589*, W24464*, W30961*.
Identifiers: ClinVar variation 418978 (VCV000418978.40), dbSNP rs1064793560, ClinGen allele CA16617330.

ClinVar aggregate classification (germline): Pathogenic/Likely pathogenic. Review status: criteria provided, multiple submitters, no conflicts (2 of 4 stars). 14 submissions from 9 submitters: Pathogenic (5); Likely pathogenic (9). Last evaluated 2026-08-04.

Conditions:
TTN-related disorder. Also called: TTN-related disorders; TTN-related condition; TTN-related disease.
Cardiovascular phenotype. Identifiers: MedGen CN230736.
Autosomal recessive limb-girdle muscular dystrophy type 2J (LGMDR10). Also called: MUSCULAR DYSTROPHY, LIMB-GIRDLE, AUTOSOMAL RECESSIVE 10; Limb-girdle muscular dystrophy, type 2J. Identifiers: Orphanet 140922, MedGen C1837342, MONDO:0012127, OMIM 608807.
Dilated cardiomyopathy 1G (CMD1G). Identifiers: Orphanet 154, MedGen C1858763, MONDO:0011400, OMIM 604145.
Primary familial dilated cardiomyopathy (FDC). Also called: Hypokinetic dilated cardiomyopathy, familial; Familial dilated cardiomyopathy. Identifiers: Orphanet 217607, MedGen C0340427, MONDO:0016333.
Hypertrophic cardiomyopathy 9. Also called: Familial hypertrophic cardiomyopathy 9. Identifiers: MedGen C1861065, MONDO:0013412, OMIM 613765.
Myopathy, myofibrillar, 9, with early respiratory failure (MFM9). Also called: MYOPATHY, PROXIMAL, WITH EARLY RESPIRATORY MUSCLE INVOLVEMENT; Myopathy, distal, with early respiratory failure, autosomal dominant; EDSTROM MYOPATHY; Hereditary myopathy with early respiratory failure. Identifiers: Orphanet 178464, Orphanet 34521, MedGen C1863599, MONDO:0011362, OMIM 603689.
Tibial muscular dystrophy (TMD). Also called: UDD MYOPATHY; Udd Distal Myopathy – Tibial Muscular Dystrophy; Tibial muscular dystrophy, tardive. Identifiers: Orphanet 609, MedGen C1838244, MONDO:0010870, OMIM 600334.
Early-onset myopathy with fatal cardiomyopathy (CMYO5). Also called: CONGENITAL MYOPATHY 5 WITH CARDIOMYOPATHY; Salih Myopathy. Identifiers: Orphanet 289377, MedGen C2673677, MONDO:0012714, OMIM 611705. Disease mechanism: loss of function.

Allele frequency attached by ClinVar (database versions not stated): gnomAD exomes below 0.00001; TOPMed below 0.00001; gnomAD 0.00001.
gnomAD v4.1: 4 of 1,613,438 alleles (0.00025%); highest among the groups gnomAD compares: Non-Finnish European, 0.00034%; no homozygotes.

Submissions 1 to 4 of 14:

GeneDx
Classification: Pathogenic. Last evaluated: 2026-08-04. Review status: criteria provided, single submitter. Criteria: GeneDx Variant Classification Process June 2021. Collection method: clinical testing. Allele origin: germline.
Comment: Nonsense variant predicted to result in protein truncation or nonsense mediated decay in a gene for which loss of function is a known mechanism of disease; Located in the A-band, a region of TTN for which truncating variants are significantly associated with autosomal dominant cardiomyopathy and also with autosomal recessive skeletal myopathies (PMID: 22335739, 32778822); This variant is associated with the following publications: (PMID: 33226272, 30535219, 34495297, 33906374, 29691892, 40155426, 22335739, 32778822, 41166358)

Women's Health and Genetics/Laboratory Corporation of America, LabCorp
Classification: Pathogenic for Primary familial dilated cardiomyopathy. Last evaluated: 2026-04-14. Review status: criteria provided, single submitter. Criteria: LabCorp Variant Classification Summary - May 2015. Collection method: clinical testing. Allele origin: germline.
Comment: Variant summary: TTN NM_133378.4: c.92883G>A (p.Trp30961X), also known as NM_001267550:c.100587G>A (p. Trp33529X), results in a premature termination codon, predicted to cause a truncation of the encoded protein or absence of the protein due to nonsense mediated decay, which are commonly known mechanisms for disease. Loss of function variants in all TTN bands are strongly associated with a spectrum of autosomal recessive titinopathies when exon expression (proportion spliced in, PSI, 1=complete expression) in skeletal muscle is >0.1 (PMID: 36977548, 39198997, 29598826, 32778822, 29691892, 33449170, 36977548, internal data). In contrast, loss of function variants in all TTN bands are only strongly associated with autosomal dominant TTN-related cardiomyopathies if located in exons constitutively expressed (PSI >0.9) in cardiac muscle, excluding extreme C-terminal exons 359-363 (PMID: 25589632, 31216868, 32964742, 34662387, 27869827, Shetty et al., Nat Cardiovasc Res 2024,, internal data). This variant has a maximum skeletal muscle PSI of 0.9 and a maximum cardiac muscle PSI of 1.0. The variant was absent in 248270 control chromosomes. c.92883G>A has been observed in individuals affected with Dilated Cardiomyopathy and/or Atrial fibrillation and in the compound heterozygous state in at least one indvidual affected with autosomal recessive Titinopathy (e.g. Oates_2018, Choi_2018, Yoneda_2021, Ware_2021, Garmany_2025, internal data). These data indicate that the variant is likely to be associated with disease. To our knowledge, no experimental evidence demonstrating an impact on protein function has been reported. The following publications have been ascertained in the context of this evaluation (PMID: 30535219, 40155426, 33906374, 34495297, 29691892). ClinVar contains an entry for this variant (Variation ID: 418978). Based on the evidence outlined above, the variant was classified as pathogenic for both autosomal dominant and autosomal recessive TTN-related conditions.

PreventionGenetics, part of Exact Sciences
Classification: Pathogenic for TTN-related condition. Last evaluated: 2026-03-03. Review status: criteria provided, single submitter. Criteria: ACMG Guidelines, 2015. Collection method: clinical testing. Allele origin: germline.
Comment: The TTN c.100587G>A variant is predicted to result in premature protein termination (p.Trp33529*). This variant has been reported in the heterozygous state in patients with features of dilated cardiomyopathy or early-onset atrial fibrillation (Ware et al. 2021. PubMed ID: 33906374; Supp. eTable 5, Choi et al. 2018. PubMed ID: 30535219). This variant has also been reported in the compound heterozygous state with a TTN splice variant in a patient with early onset dilated cardiomyopathy (Table S1, Oates et al. 2018. PubMed ID: 29691892). This variant is reported in 0.013% of alleles in individuals of European (non-Finnish) descent in gnomAD. This variant is located in the A-band region of the protein in which truncating TTN variants have been found more frequently in dilated cardiomyopathy patients than in controls (Herman et al. 2012. PubMed ID: 22335739). RNAseq studies from heart tissue indicate this exon is commonly included in TTN mRNA transcripts (PSI of 99%-100%, Roberts et al. 2015. PubMed ID: 25589632). TTN loss-of-function variants occurring in constitutively expressed exons (PSI > 90%) are more likely to be disease causing for TTN cardiac-related disorders regardless of band location (Roberts et al. 2015. PubMed ID: 25589632; Schafer et al. 2017. PubMed ID: 27869827; Akhtar et al. 2020. PubMed ID: 32964742). Many cases of recessive TTN-related myopathies in which the individual is compound heterozygous for two loss-of-function variants in TTN have also been reported (Ge et al. 2019. PubMed ID: 31053406; Oates et al. 2018. PubMed ID: 29691892; Rees et al. 2021. PubMed ID: 33449170). In summary, this variant is categorized as pathogenic. Of note, this variant is considered pathogenic for increased risk of TTN-related cardiac disorders, and also for autosomal recessive TTN-related congenital titinopathies. ​

Labcorp Genetics (formerly Invitae), Labcorp
Classification: Pathogenic for Dilated cardiomyopathy 1G; Autosomal recessive limb-girdle muscular dystrophy type 2J. Last evaluated: 2025-09-20. Review status: criteria provided, single submitter. Criteria: Invitae Variant Classification Sherloc (09022015). Collection method: clinical testing. Allele origin: germline.
Comment: This sequence change creates a premature translational stop signal (p.Trp33529*) in the TTN gene. While this is not anticipated to result in nonsense mediated decay, it is expected to create a truncated TTN protein. This variant is present in population databases (no rsID available, gnomAD 0.01%). This premature translational stop signal has been observed in individuals with clinical features of TTN-related conditions (PMID: 30535219, 33226272, 33906374, 34495297; internal data). This variant is also known as c.92883G>A (p.W30961X). ClinVar contains an entry for this variant (Variation ID: 418978). This variant is located in the A band of TTN (PMID: 25589632). Truncating variants in this region are significantly overrepresented in patients affected with dilated cardiomyopathy (PMID: 25589632). Truncating variants in this region have also been reported in individuals affected with autosomal recessive centronuclear myopathy (PMID: 23975875). For these reasons, this variant has been classified as Pathogenic.